The following is an entry in ClinVar:

ClinVar aggregate classification (germline): Uncertain significance (1 of 4 stars; one submission).

Conditions:
Mucopolysaccharidosis, MPS-III-D (MPS3D). Also called: N-ACETYLGLUCOSAMINE-6-SULFATASE DEFICIENCY; SANFILIPPO SYNDROME D; MPS III D; Mucopoly-saccharidosis type 3D; N-acetylglucosamine-6-sulfate sulfatase deficiency; MPS 3D. Identifiers: Orphanet 581, Orphanet 79272, MedGen C0086650, MONDO:0009658, OMIM 252940.

Submission:

Labcorp Genetics (formerly Invitae), Labcorp
Classification: Uncertain significance for Mucopolysaccharidosis, MPS-III-D. Last evaluated: 2024-07-19. Review status: criteria provided, single submitter. Criteria: Invitae Variant Classification Sherloc (09022015). Collection method: clinical testing. Allele origin: germline.
Comment: This sequence change replaces lysine, which is basic and polar, with asparagine, which is neutral and polar, at codon 68 of the GNS protein (p.Lys68Asn). This variant is not present in population databases (gnomAD no frequency). This variant has not been reported in the literature in individuals affected with GNS-related conditions. An algorithm developed to predict the effect of missense changes on protein structure and function (PolyPhen-2) suggests that this variant is likely to be tolerated. In summary, the available evidence is currently insufficient to determine the role of this variant in disease. Therefore, it has been classified as a Variant of Uncertain Significance.

NM_002076.4(GNS):c.204G>T (p.Lys68Asn)

Gene: GNS (glucosamine (N-acetyl)-6-sulfatase; minus strand). Cytogenetic location: 12q14.3.
Variant type: single nucleotide variant.
Coding change: c.204G>T on transcript NM_002076.4 (MANE Select); coding-DNA position 204, G replaced by T.
Protein change: p.Lys68Asn; replaces lysine 68 with asparagine.
Molecular consequence: missense variant.
Genome position (GRCh38, 1-based): chr12:64,752,746, C>A on the plus strand (G>T on the coding strand, the complement: GNS is on the minus strand). VCF-style: chr12-64752746-C-A. GRCh37 (hg19) VCF-style: chr12-65146526-C-A.
Other names: short protein forms K68N.
Identifiers: ClinVar variation 3687346 (VCV003687346.2).